The following is an entry in ClinVar:

ClinVar aggregate classification (germline): Uncertain significance (1 of 4 stars; one submission).

Conditions:
Juvenile myelomonocytic leukemia (JMML). Also called: LEUKEMIA, JUVENILE MYELOMONOCYTIC, SOMATIC. Identifiers: Orphanet 86834, MedGen C0349639, MONDO:0011908, OMIM 607785, HP:0012209.
Noonan syndrome 1 (NS1). Also called: TURNER PHENOTYPE WITH NORMAL KARYOTYPE; PTPN11-Related Noonan Syndrome; FEMALE PSEUDO-TURNER SYNDROME. Identifiers: Orphanet 648, MedGen C4551602, MONDO:0008104, OMIM 163950. Disease mechanism: gain of function.
LEOPARD syndrome 1 (LPRD1). Also called: LENTIGINOSIS, CARDIOMYOPATHIC; MULTIPLE LENTIGINES SYNDROME; PTPN11-Related LEOPARD Syndrome. Identifiers: Orphanet 500, MedGen C4551484, MONDO:0100082, OMIM 151100.
Metachondromatosis (METCDS). Identifiers: Orphanet 2499, MedGen C0410530, MONDO:0007979, OMIM 156250.

gnomAD v4.1: 1 of 1,614,066 alleles (0.000062%); highest among the groups gnomAD compares: Non-Finnish European, 0.000085%; no homozygotes.

Submission:

Juno Genomics, Hangzhou Juno Genomics, Inc
Classification: Uncertain significance for Juvenile myelomonocytic leukemia; LEOPARD syndrome 1; Metachondromatosis; Noonan syndrome 1. Review status: criteria provided, single submitter. Criteria: ACMG Guidelines, 2015. Collection method: clinical testing. Allele origin: germline.
Comment: Missense variant in a gene that has a low rate of benign missense variation.;Multiple lines of computational evidence support a deleterious effect on the gene or gene product.

NM_002834.5(PTPN11):c.90G>C (p.Leu30Phe)

Gene: PTPN11 (protein tyrosine phosphatase non-receptor type 11; plus strand). Cytogenetic location: 12q24.13.
Variant type: single nucleotide variant.
Coding change: c.90G>C on transcript NM_002834.5 (MANE Select); coding-DNA position 90, G replaced by C.
Protein change: p.Leu30Phe; replaces leucine 30 with phenylalanine.
Molecular consequence: missense variant.
Genome position (GRCh38, 1-based): chr12:112,446,351, G>C. VCF-style: chr12-112446351-G-C. GRCh37 (hg19) VCF-style: chr12-112884155-G-C.
Other names: c.90G>C, p.Leu30Phe (NM_001330437.2, NM_001374625.1, NM_080601.3); short protein forms L30F.
Identifiers: ClinVar variation 5019453 (VCV005019453.2).